The following is an entry in ClinVar:

NM_024664.4(PPCS):c.361G>T (p.Glu121Ter)

Genes: PPCS (phosphopantothenoylcysteine synthetase; plus strand), CCDC30 (coiled-coil domain containing 30; plus strand). Cytogenetic location: 1p34.2.
Variant type: single nucleotide variant.
Coding change: c.361G>T on transcript NM_024664.4 (MANE Select); coding-DNA position 361, G replaced by T.
Protein change: p.Glu121Ter; replaces glutamic acid 121 with a stop codon.
Molecular consequence: nonsense. On other transcripts: 5 prime UTR variant (1), intron variant (6).
Genome position (GRCh38, 1-based): chr1:42,456,926, G>T. VCF-style: chr1-42456926-G-T. GRCh37 (hg19) VCF-style: chr1-42922597-G-T.
Other names: c.-332G>T (NM_001287510.2); c.361G>T, p.Glu121Ter (NM_001287511.2); c.-983-321G>T (NM_001355226.2); c.-327-321G>T (NM_001287507.1); c.-11-321G>T (NM_001287506.1, NM_001287509.2); c.-12+202G>T (NM_001287508.2); c.-12+298G>T (NM_001077447.3); short protein forms E121*.
Identifiers: ClinVar variation 1516671 (VCV001516671.6), dbSNP rs1643218475, ClinGen allele CA339945599.
Genomic context (GRCh38, chr1:42,456,926, plus strand): 5'-TGGCTGTCCGCTCTGCGGCCTTCGGGCCCAGCCCTTTCGGGCTTGCTGAGCCTGGAGGCC[G>T]AGGAGAATGCACTTCCGGGTTTTGCTGAGGCTCTGAGGAGCTACCAGGAGGCTGCGGCTG-3'

ClinVar aggregate classification (germline): Uncertain significance (1 of 4 stars; one submission).

Allele frequency attached by ClinVar (database versions not stated): gnomAD 0.00001.
gnomAD v4.1: 1 of 1,609,080 alleles (0.000062%); highest among the groups gnomAD compares: African/African-American, 0.0013%; no homozygotes.

Submission:

Labcorp Genetics (formerly Invitae), Labcorp
Classification: Uncertain significance. Last evaluated: 2021-07-04. Review status: criteria provided, single submitter. Criteria: Invitae Variant Classification Sherloc (09022015). Collection method: clinical testing. Allele origin: germline.
Comment: This sequence change creates a premature translational stop signal (p.Glu121*) in the PPCS gene. It is expected to result in an absent or disrupted protein product. However, the current clinical and genetic evidence is not sufficient to establish whether loss-of-function variants in PPCS cause disease. This variant is not present in population databases (ExAC no frequency). This variant has not been reported in the literature in individuals affected with PPCS-related conditions. In summary, the available evidence is currently insufficient to determine the role of this variant in disease. Therefore, it has been classified as a Variant of Uncertain Significance.